The following is an entry in ClinVar:

NM_002900.3(RBP3):c.722A>T (p.Asp241Val)

Gene: RBP3 (retinol binding protein 3; plus strand). Cytogenetic location: 10q11.22.
Variant type: single nucleotide variant.
Coding change: c.722A>T on transcript NM_002900.3 (MANE Select); coding-DNA position 722, A replaced by T.
Protein change: p.Asp241Val; replaces aspartic acid 241 with valine.
Molecular consequence: missense variant.
Genome position (GRCh38, 1-based): chr10:47,349,206, A>T. VCF-style: chr10-47349206-A-T. GRCh37 (hg19) VCF-style: chr10-48390156-T-A.
Other names: c.722A>T (NM_002900.2); short protein forms D241V.
Identifiers: ClinVar variation 1463164 (VCV001463164.6), dbSNP rs782211857, ClinGen allele CA5487713.

ClinVar aggregate classification (germline): Uncertain significance. Review status: criteria provided, multiple submitters, no conflicts (2 of 4 stars). 3 submissions from 3 submitters: Uncertain significance (3). Last evaluated 2024-12-13.

Conditions:
Retinitis pigmentosa 66 (RP66). Identifiers: Orphanet 791, MedGen C3715216, MONDO:0014093, OMIM 615233.
Retinitis pigmentosa (RP). Identifiers: Orphanet 791, MedGen C0035334, MeSH D012174, MONDO:0019200, OMIM 268000. Inheritance: Autosomal dominant, autosomal recessive and X linked inheritance.
Inborn genetic diseases. Identifiers: MedGen C0950123, MeSH D030342.

Allele frequency attached by ClinVar (database versions not stated): TOPMed below 0.00001; gnomAD 0.00001; gnomAD exomes 0.00002 and 0.00003; ExAC 0.00003.
gnomAD v4.1: 40 of 1,613,426 alleles (0.0025%); highest among the groups gnomAD compares: Non-Finnish European, 0.0031%; no homozygotes.

Submissions (3):

Ambry Genetics
Classification: Uncertain significance for Inborn genetic diseases. Last evaluated: 2024-12-13. Review status: criteria provided, single submitter. Criteria: Ambry Variant Classification Scheme 2023. Collection method: clinical testing. Allele origin: germline.

Labcorp Genetics (formerly Invitae), Labcorp
Classification: Uncertain significance. Last evaluated: 2021-12-15. Review status: criteria provided, single submitter. Criteria: Invitae Variant Classification Sherloc (09022015). Collection method: clinical testing. Allele origin: germline.
Comment: This sequence change replaces aspartic acid, which is acidic and polar, with valine, which is neutral and non-polar, at codon 241 of the RBP3 protein (p.Asp241Val). This variant is present in population databases (rs782211857, gnomAD 0.004%). This variant has not been reported in the literature in individuals affected with RBP3-related conditions. Algorithms developed to predict the effect of missense changes on protein structure and function are either unavailable or do not agree on the potential impact of this missense change (SIFT: "Deleterious"; PolyPhen-2: "Probably Damaging"; Align-GVGD: "Class C15"). Algorithms developed to predict the effect of sequence changes on RNA splicing suggest that this variant may create or strengthen a splice site. In summary, the available evidence is currently insufficient to determine the role of this variant in disease. Therefore, it has been classified as a Variant of Uncertain Significance.

Fulgent Genetics
Classification: Uncertain significance for Retinitis pigmentosa; Retinitis pigmentosa 66. Last evaluated: 2021-09-01. Review status: criteria provided, single submitter. Criteria: ACMG Guidelines, 2015. Collection method: clinical testing. Allele origin: unknown.